The following is an entry in ClinVar:

NM_001481.3(DRC4):c.1221+4G>A

Gene: DRC4 (dynein regulatory complex subunit 4; plus strand). Cytogenetic location: 16q24.3.
Variant type: single nucleotide variant.
Coding change: c.1221+4G>A on transcript NM_001481.3 (MANE Select); 4 bases into the intron after coding-DNA position 1221, G replaced by A.
Molecular consequence: intron variant.
Genome position (GRCh38, 1-based): chr16:90,040,513, G>A. VCF-style: chr16-90040513-G-A. GRCh37 (hg19) VCF-style: chr16-90106921-G-A.
Other names: c.1146+4G>A (NM_001286209.2); c.972+4G>A (NM_001286205.2); c.645+4G>A (NM_001286208.2).
Identifiers: ClinVar variation 475559 (VCV000475559.21), dbSNP rs201588451, ClinGen allele CA8258137.

ClinVar aggregate classification (germline): Likely benign. Review status: criteria provided, multiple submitters, no conflicts (2 of 4 stars). 5 submissions from 5 submitters: Likely benign (4). 1 of the submissions does not count toward it. Last evaluated 2026-01-25.

Conditions:
Primary ciliary dyskinesia 33. Also called: CILIARY DYSKINESIA, PRIMARY, 33, WITHOUT SITUS INVERSUS. Identifiers: Orphanet 244, MedGen C4225230, MONDO:0014750, OMIM 616726.
GAS8-related disorder. Also called: GAS8-related condition.

Allele frequency attached by ClinVar (database versions not stated): gnomAD exomes 0.00085; gnomAD 0.00095; TOPMed 0.00099; ESP Exome Variant Server 0.00100; ExAC 0.00118.
gnomAD v4.1: 1,189 of 1,593,706 alleles (0.075%); highest among the groups gnomAD compares: Middle Eastern, 0.2%; 2 homozygotes.

Submissions (5):

Labcorp Genetics (formerly Invitae), Labcorp
Classification: Likely benign for Primary ciliary dyskinesia 33. Last evaluated: 2026-01-25. Review status: criteria provided, single submitter. Criteria: Invitae Variant Classification Sherloc (09022015). Collection method: clinical testing. Allele origin: germline.

CeGaT Center for Human Genetics Tuebingen
Classification: Likely benign. Last evaluated: 2025-03-01. Review status: criteria provided, single submitter. Criteria: CeGaT Center For Human Genetics Tuebingen Variant Classification Criteria Version 2. Collection method: clinical testing. Allele origin: germline. Affected: yes. Observed: 1 variant allele.
Comment: DRC4: BP4, BS2

Blueprint Genetics
Classification: Likely benign. Last evaluated: 2024-11-27. Review status: criteria provided, single submitter. Criteria: ACMG Guidelines, 2015. Collection method: clinical testing. Allele origin: germline.

Breakthrough Genomics
Classification: Likely benign. Review status: criteria provided, single submitter. Criteria: ACMG Guidelines, 2015. Collection method: not provided. Allele origin: germline. Inheritance: Autosomal recessive inheritance. Affected: yes.

PreventionGenetics, part of Exact Sciences
Classification: Likely benign for GAS8-related condition. Last evaluated: 2019-10-02. Review status: no assertion criteria provided. Collection method: clinical testing. Allele origin: germline. Not counted in ClinVar's aggregate classification.
Comment: This variant is classified as likely benign based on ACMG/AMP sequence variant interpretation guidelines (Richards et al. 2015 PMID: 25741868, with internal and published modifications).